The following is an entry in ClinVar:

NM_001100913.3(PACS2):c.1295G>A (p.Arg432Gln)

Gene: PACS2 (phosphofurin acidic cluster sorting protein 2; plus strand). Cytogenetic location: 14q32.33.
Variant type: single nucleotide variant.
Coding change: c.1295G>A on transcript NM_001100913.3 (MANE Select); coding-DNA position 1295, G replaced by A.
Protein change: p.Arg432Gln; replaces arginine 432 with glutamine.
Molecular consequence: missense variant.
Genome position (GRCh38, 1-based): chr14:105,381,940, G>A. VCF-style: chr14-105381940-G-A. GRCh37 (hg19) VCF-style: chr14-105848277-G-A.
Other names: c.1070G>A, p.Arg357Gln (NM_001243127.3); c.1295G>A, p.Arg432Gln (NM_015197.4); short protein forms R432Q, R357Q.
Identifiers: ClinVar variation 1929542 (VCV001929542.5), dbSNP rs2544804604, ClinGen allele CA391181511.

ClinVar aggregate classification (germline): Uncertain significance (1 of 4 stars; one submission).

gnomAD v4.1: 4 of 1,550,764 alleles (0.00026%); highest among the groups gnomAD compares: Non-Finnish European, 0.00035%; no homozygotes.

Submission:

Labcorp Genetics (formerly Invitae), Labcorp
Classification: Uncertain significance. Last evaluated: 2024-08-01. Review status: criteria provided, single submitter. Criteria: Invitae Variant Classification Sherloc (09022015). Collection method: clinical testing. Allele origin: germline.
Comment: This sequence change replaces arginine, which is basic and polar, with glutamine, which is neutral and polar, at codon 432 of the PACS2 protein (p.Arg432Gln). This variant is not present in population databases (gnomAD no frequency). This variant has not been reported in the literature in individuals affected with PACS2-related conditions. ClinVar contains an entry for this variant (Variation ID: 1929542). An algorithm developed to predict the effect of missense changes on protein structure and function (PolyPhen-2) suggests that this variant is likely to be disruptive. In summary, the available evidence is currently insufficient to determine the role of this variant in disease. Therefore, it has been classified as a Variant of Uncertain Significance.